The following is an entry in ClinVar:

ClinVar aggregate classification (germline): Uncertain significance (1 of 4 stars; one submission).

Conditions:
Rhabdoid tumor predisposition syndrome 2 (RTPS2). Identifiers: Orphanet 231108, Orphanet 69077, MedGen C2750074, MONDO:0013224, OMIM 613325.

Allele frequency attached by ClinVar (database versions not stated): TOPMed below 0.00001; gnomAD 0.00001.
gnomAD v4.1: 1 of 1,612,446 alleles (0.000062%); highest among the groups gnomAD compares: Non-Finnish European, 0.000085%; no homozygotes.

Submission:

Labcorp Genetics (formerly Invitae), Labcorp
Classification: Uncertain significance for Rhabdoid tumor predisposition syndrome 2. Last evaluated: 2024-04-29. Review status: criteria provided, single submitter. Criteria: Invitae Variant Classification Sherloc (09022015). Collection method: clinical testing. Allele origin: germline.
Comment: This sequence change replaces glycine, which is neutral and non-polar, with arginine, which is basic and polar, at codon 33 of the SMARCA4 protein (p.Gly33Arg). This variant is not present in population databases (gnomAD no frequency). This variant has not been reported in the literature in individuals affected with SMARCA4-related conditions. ClinVar contains an entry for this variant (Variation ID: 408679). Advanced modeling of protein sequence and biophysical properties (such as structural, functional, and spatial information, amino acid conservation, physicochemical variation, residue mobility, and thermodynamic stability) has been performed at Invitae for this missense variant, however the output from this modeling did not meet the statistical confidence thresholds required to predict the impact of this variant on SMARCA4 protein function. In summary, the available evidence is currently insufficient to determine the role of this variant in disease. Therefore, it has been classified as a Variant of Uncertain Significance.

NM_003072.5(SMARCA4):c.97G>C (p.Gly33Arg)

Gene: SMARCA4 (SWI/SNF related BAF chromatin remodeling complex subunit ATPase 4; plus strand). Cytogenetic location: 19p13.2.
Variant type: single nucleotide variant.
Coding change: c.97G>C on transcript NM_003072.5 (MANE Select); coding-DNA position 97, G replaced by C.
Protein change: p.Gly33Arg; replaces glycine 33 with arginine.
Molecular consequence: missense variant. On other transcripts: non-coding transcript variant (1).
Genome position (GRCh38, 1-based): chr19:10,984,248, G>C. VCF-style: chr19-10984248-G-C. GRCh37 (hg19) VCF-style: chr19-11094924-G-C.
Other names: c.97G>C, p.Gly33Arg (NM_001128844.3, NM_001128845.2, NM_001128846.2 and 5 more transcripts); short protein forms G33R.
Identifiers: ClinVar variation 408679 (VCV000408679.10), dbSNP rs1060502096, ClinGen allele CA16616108.